The following is an entry in ClinVar:

NM_000070.3(CAPN3):c.19G>A (p.Ala7Thr)

Gene: CAPN3 (calpain 3; plus strand). Cytogenetic location: 15q15.1.
Variant type: single nucleotide variant.
Coding change: c.19G>A on transcript NM_000070.3 (MANE Select); coding-DNA position 19, G replaced by A.
Protein change: p.Ala7Thr; replaces alanine 7 with threonine.
Molecular consequence: missense variant.
Genome position (GRCh38, 1-based): chr15:42,359,824, G>A. VCF-style: chr15-42359824-G-A. GRCh37 (hg19) VCF-style: chr15-42652022-G-A.
Other names: c.19G>A, p.Ala7Thr (NM_024344.2, NM_173087.2); short protein forms A7T.
Identifiers: ClinVar variation 653316 (VCV000653316.8), dbSNP rs776827432, ClinGen allele CA269853599.

ClinVar aggregate classification (germline): Uncertain significance. Review status: criteria provided, multiple submitters, no conflicts (2 of 4 stars). 4 submissions from 4 submitters: Uncertain significance (3). 1 of the submissions does not count toward it. Last evaluated 2025-10-15.

Conditions:
Autosomal recessive limb-girdle muscular dystrophy type 2A (LGMDR1). Also called: Muscular dystrophy, limb-girdle, type 2A, Amish; LEYDEN-MOEBIUS MUSCULAR DYSTROPHY; MUSCULAR DYSTROPHY, PELVOFEMORAL; Calpainopathy; Limb-girdle muscular dystrophy, type 2A. Identifiers: Orphanet 267, MedGen C1869123, MONDO:0009675, OMIM 253600. Disease mechanism: loss of function.

Allele frequency attached by ClinVar (database versions not stated): TOPMed 0.00001; gnomAD 0.00003.

Submissions (4):

Myriad Genetics, Inc.
Classification: Uncertain significance for Autosomal recessive limb-girdle muscular dystrophy type 2A. Last evaluated: 2025-10-15. Review status: criteria provided, single submitter. Criteria: Myriad Autosomal Dominant, Autosomal Recessive and X-Linked Classification Criteria (2023). Collection method: clinical testing. Allele origin: unknown.
Comment: NM_000070.2(CAPN3):c.19G>A(A7T) is a missense variant classified as a variant of uncertain significance in the context of calpainopathy. A7T has been observed in a case with relevant disease (PMID: 39678382). Relevant functional assessments of this variant are not available in the literature. A7T has been observed in referenced population frequency databases. In summary, there is insufficient evidence to classify NM_000070.2(CAPN3):c.19G>A(A7T) as pathogenic or benign. Please note: this variant was assessed in the context of healthy population screening.

GeneDx
Classification: Uncertain significance. Last evaluated: 2023-11-08. Review status: criteria provided, single submitter. Criteria: GeneDx Variant Classification Process June 2021. Collection method: clinical testing. Allele origin: germline. Affected: yes.
Comment: Not observed at significant frequency in large population cohorts (gnomAD); In silico analysis supports that this missense variant does not alter protein structure/function; Has not been previously published as pathogenic or benign to our knowledge

Labcorp Genetics (formerly Invitae), Labcorp
Classification: Uncertain significance for Autosomal recessive limb-girdle muscular dystrophy type 2A. Last evaluated: 2023-08-24. Review status: criteria provided, single submitter. Criteria: Invitae Variant Classification Sherloc (09022015). Collection method: clinical testing. Allele origin: germline.
Comment: In summary, the available evidence is currently insufficient to determine the role of this variant in disease. Therefore, it has been classified as a Variant of Uncertain Significance. Algorithms developed to predict the effect of missense changes on protein structure and function output the following: SIFT: "Not Available"; PolyPhen-2: "Benign"; Align-GVGD: "Not Available". The threonine amino acid residue is found in multiple mammalian species, which suggests that this missense change does not adversely affect protein function. ClinVar contains an entry for this variant (Variation ID: 653316). This variant has not been reported in the literature in individuals affected with CAPN3-related conditions. This variant is present in population databases (rs776827432, gnomAD 0.002%). This sequence change replaces alanine, which is neutral and non-polar, with threonine, which is neutral and polar, at codon 7 of the CAPN3 protein (p.Ala7Thr).

Natera, Inc.
Classification: Uncertain significance for Limb-girdle muscular dystrophy type 2A. Last evaluated: 2020-09-16. Review status: no assertion criteria provided. Collection method: clinical testing. Allele origin: germline. Not counted in ClinVar's aggregate classification.

Literature cited by the submitters: PubMed 39678382 (cited by Myriad Genetics, Inc.).